The following is an entry in ClinVar:

ClinVar aggregate classification (germline): Conflicting classifications of pathogenicity. Review status: criteria provided, conflicting classifications (1 of 4 stars). 4 submissions from 4 submitters: Uncertain significance (1); Benign (1); Likely benign (1). 1 of the submissions does not count toward it. Last evaluated 2026-01-17.

Conditions:
NPHP4-related disorder. Also called: NPHP4-related condition; NPHP4-related disorders. Identifiers: MedGen CN239384.
Nephronophthisis. Also called: Juvenile Nephronophthisis. Identifiers: Orphanet 655, MedGen C0687120, MONDO:0019005, HP:0000090.

Allele frequency attached by ClinVar (database versions not stated): ESP Exome Variant Server 0.00008; gnomAD 0.00028; gnomAD exomes 0.00032 and 0.00038; TOPMed 0.00038; ExAC 0.00040; 1000 Genomes Project 0.00080; 1000 Genomes Project 30x 0.00109.
gnomAD v4.1: 510 of 1,601,344 alleles (0.032%); highest among the groups gnomAD compares: Admixed American, 0.16%; no homozygotes.

Submissions (4):

Labcorp Genetics (formerly Invitae), Labcorp
Classification: Benign for Nephronophthisis. Last evaluated: 2026-01-17. Review status: criteria provided, single submitter. Criteria: Invitae Variant Classification Sherloc (09022015). Collection method: clinical testing. Allele origin: germline.

Blueprint Genetics
Classification: Likely benign. Last evaluated: 2024-07-02. Review status: criteria provided, single submitter. Criteria: ACMG Guidelines, 2015. Collection method: clinical testing. Allele origin: germline.

Eurofins Ntd Llc (ga)
Classification: Uncertain significance. Last evaluated: 2018-04-19. Review status: criteria provided, single submitter. Criteria: EGL ClinVar v180209 classification definitions. Collection method: clinical testing. Allele origin: germline. Observed: 5 variant alleles, 5 heterozygotes.

PreventionGenetics, part of Exact Sciences
Classification: Likely benign for NPHP4-related condition. Last evaluated: 2021-09-14. Review status: no assertion criteria provided. Collection method: clinical testing. Allele origin: germline. Not counted in ClinVar's aggregate classification.
Comment: This variant is classified as likely benign based on ACMG/AMP sequence variant interpretation guidelines (Richards et al. 2015 PMID: 25741868, with internal and published modifications).

NM_015102.5(NPHP4):c.138C>T (p.Gly46=)

Gene: NPHP4 (nephrocystin 4; minus strand). Cytogenetic location: 1p36.31.
Variant type: single nucleotide variant.
Coding change: c.138C>T on transcript NM_015102.5 (MANE Select); coding-DNA position 138, C replaced by T.
Protein change: p.Gly46=; no amino-acid change (glycine 46 retained).
Molecular consequence: synonymous variant. On other transcripts: 5 prime UTR variant (1), non-coding transcript variant (1), intron variant (1).
Genome position (GRCh38, 1-based): chr1:5,978,411, G>A on the plus strand (C>T on the coding strand, the complement: NPHP4 is on the minus strand). VCF-style: chr1-5978411-G-A. GRCh37 (hg19) VCF-style: chr1-6038471-G-A.
Other names: c.-1092C>T (NM_001291593.2); c.-1087-9152C>T (NM_001291594.2).
Identifiers: ClinVar variation 497870 (VCV000497870.17), dbSNP rs201069164, ClinGen allele CA554918.
Genomic context (GRCh38, chr1:5,978,411, plus strand): 5'-GGTGACATCAAAGAAAGACACTCGCAGATGGCATTCAACCTCTGACAGTACCTCCAGCAC[G>A]CCCTAGGAGACAACGGGGAATTGACCCTCAAGAGTCTGAGCACCATGAGCCAGGAGGTCA-3'
Protein context (NP_055917.1, residues 36-56): KWLDGPVIRQ[Gly46=]VLEVLSEVEC